The following is an entry in ClinVar:

NM_014780.5(CUL7):c.5041C>T (p.Arg1681Trp)

Gene: CUL7 (cullin 7; minus strand). Cytogenetic location: 6p21.1.
Variant type: single nucleotide variant.
Coding change: c.5041C>T on transcript NM_014780.5 (MANE Select); coding-DNA position 5041, C replaced by T.
Protein change: p.Arg1681Trp; replaces arginine 1681 with tryptophan.
Molecular consequence: missense variant.
Genome position (GRCh38, 1-based): chr6:43,037,744, G>A on the plus strand (C>T on the coding strand, the complement: CUL7 is on the minus strand). VCF-style: chr6-43037744-G-A. GRCh37 (hg19) VCF-style: chr6-43005482-G-A.
Other names: c.5137C>T, p.Arg1713Trp (NM_001168370.2, NM_001374872.1); c.5053C>T, p.Arg1685Trp (NM_001374873.1); c.5038C>T, p.Arg1680Trp (NM_001374874.1); short protein forms R1681W, R1680W, R1685W, R1713W.
Identifiers: ClinVar variation 356815 (VCV000356815.9), dbSNP rs375165020, ClinGen allele CA3813052.

ClinVar aggregate classification (germline): Uncertain significance. Review status: criteria provided, multiple submitters, no conflicts (2 of 4 stars). 2 submissions from 2 submitters: Uncertain significance (2). Last evaluated 2022-04-24.

Conditions:
3M syndrome 1. Also called: 3-M Syndrome, CUL7-Related. Identifiers: Orphanet 2616, MedGen C2678312, MONDO:0010117, OMIM 273750.

Allele frequency attached by ClinVar (database versions not stated): gnomAD exomes 0.00007; gnomAD 0.00009; ExAC 0.00014; TOPMed 0.00014; ESP Exome Variant Server 0.00015.

Submissions (2):

Labcorp Genetics (formerly Invitae), Labcorp
Classification: Uncertain significance. Last evaluated: 2022-04-24. Review status: criteria provided, single submitter. Criteria: Invitae Variant Classification Sherloc (09022015). Collection method: clinical testing. Allele origin: germline.
Comment: This sequence change replaces arginine, which is basic and polar, with tryptophan, which is neutral and slightly polar, at codon 1681 of the CUL7 protein (p.Arg1681Trp). This variant is present in population databases (rs375165020, gnomAD 0.01%). This variant has not been reported in the literature in individuals affected with CUL7-related conditions. ClinVar contains an entry for this variant (Variation ID: 356815). Algorithms developed to predict the effect of missense changes on protein structure and function are either unavailable or do not agree on the potential impact of this missense change (SIFT: "Deleterious"; PolyPhen-2: "Probably Damaging"; Align-GVGD: "Class C0"). In summary, the available evidence is currently insufficient to determine the role of this variant in disease. Therefore, it has been classified as a Variant of Uncertain Significance.

Illumina Laboratory Services, Illumina
Classification: Uncertain significance for 3M syndrome 1. Last evaluated: 2018-01-13. Review status: criteria provided, single submitter. Criteria: ICSL Variant Classification Criteria 13 December 2019. Collection method: clinical testing. Allele origin: germline.